The following is an entry in ClinVar:

ClinVar aggregate classification (germline): Benign/Likely benign. Review status: criteria provided, multiple submitters, no conflicts (2 of 4 stars). 4 submissions from 4 submitters: Benign (1); Likely benign (3). Last evaluated 2026-01-15.

Conditions:
Miller syndrome (POADS). Also called: GENEE-WIEDEMANN SYNDROME; Genee-Wiedemann acrofacial dysostosis. Identifiers: Orphanet 246, MedGen C0265257, MONDO:0009903, OMIM 263750.

Allele frequency attached by ClinVar (database versions not stated): 1000 Genomes Project 0.00100; 1000 Genomes Project 30x 0.00125; TOPMed 0.00183; ExAC 0.00192; gnomAD exomes 0.00215 and 0.00308; gnomAD 0.00218 and 0.00227; ESP Exome Variant Server 0.00242.
gnomAD v4.1: 4,797 of 1,614,168 alleles (0.3%); highest among the groups gnomAD compares: Non-Finnish European, 0.36%; 2 homozygotes.

Submissions (4):

Labcorp Genetics (formerly Invitae), Labcorp
Classification: Benign. Last evaluated: 2026-01-15. Review status: criteria provided, single submitter. Criteria: Invitae Variant Classification Sherloc (09022015). Collection method: clinical testing. Allele origin: germline.

Blueprint Genetics
Classification: Likely benign. Last evaluated: 2024-10-14. Review status: criteria provided, single submitter. Criteria: ACMG Guidelines, 2015. Collection method: clinical testing. Allele origin: germline.

Illumina Laboratory Services, Illumina
Classification: Likely benign for Miller syndrome. Last evaluated: 2018-01-13. Review status: criteria provided, single submitter. Criteria: ICSL Variant Classification Criteria 13 December 2019. Collection method: clinical testing. Allele origin: germline.
Comment: This variant was observed in the ICSL laboratory as part of a predisposition screen in an ostensibly healthy population. It had not been previously curated by ICSL or reported in the Human Gene Mutation Database (HGMD: prior to June 1st, 2018), and was therefore a candidate for classification through an automated scoring system. Utilizing variant allele frequency, disease prevalence and penetrance estimates, and inheritance mode, an automated score was calculated to assess if this variant is too frequent to cause the disease. Based on the score and internal cut-off values, a variant classified as likely benign is not then subjected to further curation. The score for this variant resulted in a classification of likely benign for this disease.

PreventionGenetics, part of Exact Sciences
Classification: Likely benign. Review status: criteria provided, single submitter. Criteria: ACMG Guidelines, 2015. Collection method: clinical testing. Allele origin: germline.

NM_001361.5(DHODH):c.294C>T (p.Asp98=)

Gene: DHODH (dihydroorotate dehydrogenase (quinone); plus strand). Cytogenetic location: 16q22.2.
Variant type: single nucleotide variant.
Coding change: c.294C>T on transcript NM_001361.5 (MANE Select); coding-DNA position 294, C replaced by T.
Protein change: p.Asp98=; no amino-acid change (aspartic acid 98 retained).
Molecular consequence: synonymous variant.
Genome position (GRCh38, 1-based): chr16:72,014,532, C>T. VCF-style: chr16-72014532-C-T. GRCh37 (hg19) VCF-style: chr16-72048431-C-T.
Identifiers: ClinVar variation 257967 (VCV000257967.16), dbSNP rs61747639, ClinGen allele CA8158588.